The following is an entry in ClinVar:

NM_006218.4(PIK3CA):c.2985C>T (p.Ala995=)

Gene: PIK3CA (phosphatidylinositol-4,5-bisphosphate 3-kinase catalytic subunit alpha; plus strand). Cytogenetic location: 3q26.32.
Variant type: single nucleotide variant.
Coding change: c.2985C>T on transcript NM_006218.4 (MANE Select); coding-DNA position 2985, C replaced by T.
Protein change: p.Ala995=; no amino-acid change (alanine 995 retained).
Molecular consequence: synonymous variant.
Genome position (GRCh38, 1-based): chr3:179,234,142, C>T. VCF-style: chr3-179234142-C-T. GRCh37 (hg19) VCF-style: chr3-178951930-C-T.
Other names: c.2985C>T (LRG_310t1, NM_006218.3).
Identifiers: ClinVar variation 246687 (VCV000246687.44), dbSNP rs201884756, ClinGen allele CA2711051.
Genomic context (GRCh38, chr3:179,234,142, plus strand): 5'-TATTACTTATAGGTTTCAGGAGATGTGTTACAAGGCTTATCTAGCTATTCGACAGCATGC[C>T]AATCTCTTCATAAATCTTTTCTCAATGATGCTTGGCTCTGGAATGCCAGAACTACAATCT-3'
Protein context (NP_006209.2, residues 985-1005): YKAYLAIRQH[Ala995=]NLFINLFSMM

ClinVar aggregate classification (germline): Conflicting classifications of pathogenicity. Review status: criteria provided, conflicting classifications (1 of 4 stars). 6 submissions from 6 submitters: Uncertain significance (1); Benign (3); Likely benign (2). Last evaluated 2025-10-01.

Conditions:
Cowden syndrome 5 (CWS5). Identifiers: Orphanet 201, MedGen C3554518, MONDO:0014047, OMIM 615108.
Cowden syndrome (CS). Also called: Cowden's disease; Cowden's syndrome; Cowden disease. Identifiers: Orphanet 201, MedGen C0018553, MONDO:0016063. Disease mechanism: gain of function.

Allele frequency attached by ClinVar (database versions not stated): gnomAD 0.00018 and 0.00025; TOPMed 0.00024; gnomAD exomes 0.00033 and 0.00067; 1000 Genomes Project 0.00040; 1000 Genomes Project 30x 0.00047; ExAC 0.00062.
gnomAD v4.1: 526 of 1,612,508 alleles (0.033%); highest among the groups gnomAD compares: South Asian, 0.32%; 6 homozygotes.

Submissions (6):

CeGaT Center for Human Genetics Tuebingen
Classification: Likely benign. Last evaluated: 2025-10-01. Review status: criteria provided, single submitter. Criteria: CeGaT Center For Human Genetics Tuebingen Variant Classification Criteria Version 2. Collection method: clinical testing. Allele origin: germline. Affected: yes. Observed: 4 variant alleles.
Comment: PIK3CA: BP4, BP7

Labcorp Genetics (formerly Invitae), Labcorp
Classification: Benign for Cowden syndrome. Last evaluated: 2025-05-18. Review status: criteria provided, single submitter. Criteria: Invitae Variant Classification Sherloc (09022015). Collection method: clinical testing. Allele origin: germline.

Blueprint Genetics
Classification: Likely benign. Last evaluated: 2024-10-15. Review status: criteria provided, single submitter. Criteria: ACMG Guidelines, 2015. Collection method: clinical testing. Allele origin: germline.

KCCC/NGS Laboratory, Kuwait Cancer Control Center
Classification: Benign for Cowden syndrome 5. Last evaluated: 2023-07-07. Review status: criteria provided, single submitter. Criteria: ACMG Guidelines, 2015. Collection method: clinical testing. Allele origin: germline. Affected: yes.

GeneDx
Classification: Benign. Last evaluated: 2020-04-01. Review status: criteria provided, single submitter. Criteria: GeneDx Variant Classification Process June 2021. Collection method: clinical testing. Allele origin: germline. Affected: yes.

Eurofins Ntd Llc (ga)
Classification: Uncertain significance. Last evaluated: 2016-09-27. Review status: criteria provided, single submitter. Criteria: EGL Classification Definitions 2015. Collection method: clinical testing. Allele origin: germline. Observed: 1 variant allele, 1 heterozygote.